The following continues an entry in ClinVar:

NM_000059.4(BRCA2):c.9294C>G (p.Tyr3098Ter)

Gene: BRCA2. ClinVar aggregate classification (germline): Pathogenic. Pathogenic (1).

Submissions 9 to 20 of 30:

All of Us Research Program, National Institutes of Health
Classification: Pathogenic for BRCA2-related cancer predisposition. Last evaluated: 2024-09-03. Review status: criteria provided, single submitter. Criteria: ACMG Guidelines, 2015. Collection method: clinical testing. Allele origin: germline. Inheritance: Autosomal dominant inheritance. Observed: 1 variant allele, 1 heterozygote. Not counted in ClinVar's aggregate classification.
Comment: This variant changes 1 nucleotide in exon 25 of the BRCA2 gene, creating a premature translation stop signal. This variant is expected to result in an absent or non-functional protein product. This variant has been reported in at least 9 individuals affected with breast or ovarian cancer (PMID: 9667259, 24728189, 25186627, 26787237, 28724667, 33471991; Leiden Open Variation Database DB-ID BRCA2_001528) and dozens of suspected hereditary breast and ovarian cancer families (PMID: 12698193, 16234499, 18779604, 26187060, 30702160). This variant also has been reported in individuals affected with pancreatic and prostate cancer (PMID: 23569316, 26845104, 27456091, 30274973). This variant has been identified in 3/282252 chromosomes in the general population by the Genome Aggregation Database (gnomAD). Loss of BRCA2 function is a known mechanism of disease. Based on the available evidence, this variant is classified as Pathogenic.

This study involves interpretation of variants in research participants for the purpose of population health screening. Participant phenotype was not available at the time of variant classification. Additional details can be found in publication PMID: 35346344, PMCID: PMC8962531

Ambry Genetics
Classification: Pathogenic for Hereditary cancer-predisposing syndrome. Last evaluated: 2024-05-09. Review status: criteria provided, single submitter. Criteria: Ambry Variant Classification Scheme 2023. Collection method: clinical testing. Allele origin: germline. Not counted in ClinVar's aggregate classification.
Comment: The p.Y3098* pathogenic mutation (also known as c.9294C>G), located in coding exon 24 of the BRCA2 gene, results from a C to G substitution at nucleotide position 9294. This changes the amino acid from a tyrosine to a stop codon within coding exon 24. This alteration has been reported in numerous studies, including large hereditary breast and ovarian cancer cohort studies, and has been identified in patients with breast, ovarian, prostate and pancreatic cancers (Frank TS et al. J. Clin. Oncol. 1998 Jul;16:2417-25; Scottish/Northern Irish BRCA1/BRCA2 Consortium. Br. J. Cancer. 2003 Apr;88:1256-62; Kurian AW et al. J. Clin. Oncol. 2008 Oct;26:4752-8; Castro E et al. J Clin Oncol, 2013 May;31:1748-57; Song H et al. Hum. Mol. Genet. 2014 Sep;23:4703-9; Kerr L et al. BMC Cancer. 2016 07;16:529; Shirts BH et al. Genet Med, 2016 10;18:974-81; Sun J et al. Clin Cancer Res, 2017 Oct;23:6113-6119; Rebbeck TR et al. Hum Mutat, 2018 05;39:593-620; Dorling et al. N Engl J Med. 2021 02;384:428-439). Of note, this alteration is also designated as 9522C>G in published literature. In addition to the clinical data presented in the literature, this alteration is expected to result in loss of function by premature protein truncation or nonsense-mediated mRNA decay. As such, this alteration is interpreted as a disease-causing mutation.

Baylor Genetics
Classification: Pathogenic for Familial cancer of breast. Last evaluated: 2024-01-26. Review status: criteria provided, single submitter. Criteria: ACMG Guidelines, 2015. Collection method: clinical testing. Allele origin: unknown. Not counted in ClinVar's aggregate classification.

GeneDx
Classification: Pathogenic. Last evaluated: 2023-07-20. Review status: criteria provided, single submitter. Criteria: GeneDx Variant Classification Process June 2021. Collection method: clinical testing. Allele origin: germline. Affected: yes. Not counted in ClinVar's aggregate classification.
Comment: Nonsense variant predicted to result in protein truncation or nonsense mediated decay in a gene for which loss-of-function is a known mechanism of disease; Observed in many individuals with personal and/or family history of BRCA2-related cancers (Frank et al., 1998; Lubinski et al., 2004; Kurian et al., 2008; Kwong et al., 2016; Rummel et al., 2017; Sun et al., 2017); Truncating variants in this gene are considered pathogenic by a well-established clinical consortium and/or database; Not observed at significant frequency in large population cohorts (gnomAD); Also known as 9522C>G; This variant is associated with the following publications: (PMID: 18779604, 25525159, 27067391, 27157322, 15131399, 12698193, 9667259, 26681312, 26845104, 15695382, 27456091, 28503720, 28454591, 28242752, 28724667, 28993434, 31263054, 29487695, 29446198, 30720243, 34399810, 31447099, 33804961, 30702160, 32468491, 33087929, 30274973, 31825140, 30787465, 32782288, 31892343, 33758026, 31723001, 28888541, 34761457, 29922827)

Revvity Omics, Revvity
Classification: Pathogenic. Last evaluated: 2022-10-20. Review status: criteria provided, single submitter. Criteria: ACMG Guidelines, 2015. Collection method: clinical testing. Allele origin: germline. Not counted in ClinVar's aggregate classification.

Greenwood Genetic Center Diagnostic Laboratories, Greenwood Genetic Center
Classification: Pathogenic for Breast-ovarian cancer, familial, susceptibility to, 1. Last evaluated: 2022-10-07. Review status: criteria provided, single submitter. Criteria: ACMG Guidelines, 2015. Collection method: clinical testing. Allele origin: germline. Not counted in ClinVar's aggregate classification.
Comment: PVS1, PS4

Genetics Program, Instituto Nacional de Cancer
Classification: Pathogenic for Hereditary breast ovarian cancer syndrome. Last evaluated: 2021-11-01. Review status: criteria provided, single submitter. Criteria: ACMG Guidelines, 2015. Collection method: research. Allele origin: germline. Affected: yes. Not counted in ClinVar's aggregate classification.

Laboratory for Molecular Medicine, Mass General Brigham Personalized Medicine
Classification: Pathogenic for Hereditary breast ovarian cancer syndrome. Last evaluated: 2019-10-14. Review status: criteria provided, single submitter. Criteria: ACMG Guidelines, 2015. Collection method: clinical testing. Allele origin: germline. Not counted in ClinVar's aggregate classification.
Comment: The p.Tyr3098X (c.9294C>A) variant in BRCA2 has been reported in at least 15 individuals with BRCA2-related cancers (Frank 1998, S/NI consortium 2003, Kerr 2016, Sun 2017, Bannon 2018, Wen 2018, BIC database). It has also been identified in 2/24950 African chromosomes by gnomAD; however, this frequency is low enough to be consistent with the frequency of hereditary breast and ovarian cancer (HBOC) in the general population. This variant leads to a premature termination codon at position 3098, which is predicted to lead to a truncated or absent protein. Loss of function of the BRCA2 gene is an established disease mechanism in autosomal dominant HBOC. This variant was classified as Pathogenic on Apr 22, 2016 by the ClinGen-approved ENIGMA expert panel (Variation ID: 38229). In summary, this variant meets criteria to be classified as pathogenic for autosomal dominant HBOC. ACMG/AMP Criteria applied: PVS1, PS4

Equipe Genetique des Anomalies du Developpement, Université de Bourgogne
Classification: Pathogenic for Breast-ovarian cancer, familial, susceptibility to, 2. Last evaluated: 2018-11-21. Review status: criteria provided, single submitter. Criteria: ACMG Guidelines, 2015. Collection method: clinical testing. Allele origin: unknown. Not counted in ClinVar's aggregate classification.

Fulgent Genetics
Classification: Pathogenic for Familial cancer of breast; Medulloblastoma; Familial prostate cancer; Wilms tumor 1; Fanconi anemia complementation group D1; Breast-ovarian cancer, familial, susceptibility to, 2; Glioma susceptibility 3; Pancreatic cancer, susceptibility to, 2. Last evaluated: 2018-10-31. Review status: criteria provided, single submitter. Criteria: ACMG Guidelines, 2015. Collection method: clinical testing. Allele origin: unknown. Not counted in ClinVar's aggregate classification.

Human Genome Sequencing Center Clinical Lab, Baylor College of Medicine
Classification: Pathogenic for Breast-ovarian cancer, familial, susceptibility to, 2. Last evaluated: 2018-04-27. Review status: criteria provided, single submitter. Criteria: ACMG Guidelines, 2015. Collection method: clinical testing. Allele origin: germline. Not counted in ClinVar's aggregate classification.
Comment: This variant has been previously described in multiple individuals with breast, ovarian, prostate and pancreatic cancer (PMID: 12698193, 24728189, 26787237, 23569316, 26845104).Therefore, we consider this variant to be pathogenic. [alaimo, 2018-01-30]

ARUP Laboratories, Molecular Genetics and Genomics, ARUP Laboratories
Classification: Pathogenic. Last evaluated: 2018-01-25. Review status: criteria provided, single submitter. Criteria: ARUP Molecular Germline Variant Investigation Process. Collection method: clinical testing. Allele origin: germline. Not counted in ClinVar's aggregate classification.
Comment: The BRCA2 c.9294C>G; p.Tyr3098Ter variant (rs80359200), also known as 9522C>G, is reported in the literature in individuals and families with hereditary breast and ovarian cancer syndrome (Lubinski 2004, Scottish/Northern Irish BRCA1/BRCA2 Consortium 2003), and is classified as pathogenic in ClinVar (Variation ID: 38229). This variant is found in the general population with a low overall allele frequency of 0.001% (3/276620 alleles) in the Genome Aggregation Database. This variant induces a premature termination codon and is predicted to result in a truncated protein or mRNA subject to nonsense-medicated decay. Based on available information, this variant is considered pathogenic. References: Lubinski J et al. Cancer variation associated with the position of the mutation in the BRCA2 gene. Fam Cancer. 2004;3(1):1-10. Scottish/Northern Irish BRCAI/BRCA2 Consortium. BRCA1 and BRCA2 mutations in Scotland and Northern Ireland. Br J Cancer. 2003;88(8):1256-62.